The following is an entry in ClinVar:

NM_014321.4(ORC6):c.675T>C (p.Asp225=)

Gene: ORC6 (origin recognition complex subunit 6; plus strand). Cytogenetic location: 16q11.2.
Variant type: single nucleotide variant.
Coding change: c.675T>C on transcript NM_014321.4 (MANE Select); coding-DNA position 675, T replaced by C.
Protein change: p.Asp225=; no amino-acid change (aspartic acid 225 retained).
Molecular consequence: synonymous variant. On other transcripts: non-coding transcript variant (1).
Genome position (GRCh38, 1-based): chr16:46,697,501, T>C. VCF-style: chr16-46697501-T-C. GRCh37 (hg19) VCF-style: chr16-46731413-T-C.
Identifiers: ClinVar variation 129866 (VCV000129866.18), dbSNP rs34343511, ClinGen allele CA154206.
Genomic context (GRCh38, chr16:46,697,501, plus strand): 5'-TGATAATTTTCTGTCAGAAATGGAGAAGGTAGAGGAGATGCCACATAAACCACAGAAAGA[T>C]GAAGATCTGACACAGGATTATGAAGAATGGAAAAGAAAAATTTTGGAAAATGCTGCCAGT-3'
Protein context (NP_055136.1, residues 215-235): VEEMPHKPQK[Asp225=]EDLTQDYEEW

ClinVar aggregate classification (germline): Benign. Review status: criteria provided, multiple submitters, no conflicts (2 of 4 stars). 4 submissions from 4 submitters: Benign (4). Last evaluated 2026-02-02.

Conditions:
Meier-Gorlin syndrome 3 (MGORS3). Identifiers: Orphanet 2554, MedGen C3151113, MONDO:0013430, OMIM 613803.

Allele frequency attached by ClinVar (database versions not stated): 1000 Genomes Project 0.00719; 1000 Genomes Project 30x 0.00734; TOPMed 0.01736; gnomAD 0.01858 and 0.01913; gnomAD exomes 0.01864 and 0.02419; ExAC 0.01895; ESP Exome Variant Server 0.02007.

Submissions (4):

Labcorp Genetics (formerly Invitae), Labcorp
Classification: Benign. Last evaluated: 2026-02-02. Review status: criteria provided, single submitter. Criteria: Invitae Variant Classification Sherloc (09022015). Collection method: clinical testing. Allele origin: germline.

Illumina Laboratory Services, Illumina
Classification: Benign for Meier-Gorlin syndrome 3. Last evaluated: 2018-01-13. Review status: criteria provided, single submitter. Criteria: ICSL Variant Classification Criteria 13 December 2019. Collection method: clinical testing. Allele origin: germline.
Comment: This variant was observed in the ICSL laboratory as part of a predisposition screen in an ostensibly healthy population. It had not been previously curated by ICSL or reported in the Human Gene Mutation Database (HGMD: prior to June 1st, 2018), and was therefore a candidate for classification through an automated scoring system. Utilizing variant allele frequency, disease prevalence and penetrance estimates, and inheritance mode, an automated score was calculated to assess if this variant is too frequent to cause the disease. Based on the score and internal cut-off values, a variant classified as benign is not then subjected to further curation. The score for this variant resulted in a classification of benign for this disease.

Genetic Services Laboratory, University of Chicago
Classification: Benign for AllHighlyPenetrant. Last evaluated: 2013-01-17. Review status: criteria provided, single submitter. Criteria: ACMG Guidelines, 2007. Collection method: clinical testing. Allele origin: germline. Inheritance: Autosomal recessive inheritance.

Breakthrough Genomics
Classification: Benign. Review status: criteria provided, single submitter. Criteria: ACMG Guidelines, 2015. Collection method: not provided. Allele origin: germline. Inheritance: Autosomal recessive inheritance. Affected: yes.